The following is an entry in ClinVar:

NM_024675.4(PALB2):c.2117C>T (p.Thr706Ile)

Gene: PALB2 (partner and localizer of BRCA2; minus strand). Cytogenetic location: 16p12.2.
Variant type: single nucleotide variant.
Coding change: c.2117C>T on transcript NM_024675.4 (MANE Select); coding-DNA position 2117, C replaced by T.
Protein change: p.Thr706Ile; replaces threonine 706 with isoleucine.
Molecular consequence: missense variant.
Genome position (GRCh38, 1-based): chr16:23,630,037, G>A on the plus strand (C>T on the coding strand, the complement: PALB2 is on the minus strand). VCF-style: chr16-23630037-G-A. GRCh37 (hg19) VCF-style: chr16-23641358-G-A.
Other names: short protein forms T706I.
Identifiers: ClinVar variation 229718 (VCV000229718.19), dbSNP rs587780209, ClinGen allele CA10579985.
Genomic context (GRCh38, chr16:23,630,037, plus strand): 5'-GGTGAACACATGTCTGTGGTAGGCCTGTCATTATCATCAGGCGCAACCGTATTTAAAGGA[G>A]TATAAAGTAATATGGATGAAGAAAGGCCCGTCTTTGTATGCTGGCTTTGCGAGTTTGGCC-3'
Protein context (NP_078951.2, residues 696-716): TGLSSSILLY[Thr706Ile]PLNTVAPDDN

ClinVar aggregate classification (germline): Uncertain significance. Review status: criteria provided, multiple submitters, no conflicts (2 of 4 stars). 3 submissions from 3 submitters: Uncertain significance (3). Last evaluated 2025-05-18.

Conditions:
Hereditary cancer-predisposing syndrome. Also called: Hereditary neoplastic syndrome; Hereditary Cancer Syndrome; Neoplastic Syndromes, Hereditary; Tumor predisposition. Identifiers: Orphanet 140162, MedGen C0027672, MeSH D009386, MONDO:0015356.
Familial cancer of breast. Also called: Hereditary breast cancer; BREAST CANCER, FAMILIAL; hereditary breast carcinoma. Identifiers: Orphanet 227535, MedGen C0346153, MONDO:0016419, OMIM 114480. Disease mechanism: loss of function.

Allele frequency attached by ClinVar (database versions not stated): gnomAD exomes below 0.00001; TOPMed below 0.00001; gnomAD 0.00001.
gnomAD v4.1: 5 of 1,614,056 alleles (0.00031%); highest among the groups gnomAD compares: Non-Finnish European, 0.00042%; no homozygotes.

Submissions (3):

Labcorp Genetics (formerly Invitae), Labcorp
Classification: Uncertain significance for Familial cancer of breast. Last evaluated: 2025-05-18. Review status: criteria provided, single submitter. Criteria: Invitae Variant Classification Sherloc (09022015). Collection method: clinical testing. Allele origin: germline.
Comment: This sequence change replaces threonine, which is neutral and polar, with isoleucine, which is neutral and non-polar, at codon 706 of the PALB2 protein (p.Thr706Ile). This variant is present in population databases (no rsID available, gnomAD 0.0009%). This variant has not been reported in the literature in individuals affected with PALB2-related conditions. ClinVar contains an entry for this variant (Variation ID: 229718). Invitae Evidence Modeling of protein sequence and biophysical properties (such as structural, functional, and spatial information, amino acid conservation, physicochemical variation, residue mobility, and thermodynamic stability) indicates that this missense variant is expected to disrupt PALB2 protein function with a positive predictive value of 80%. In summary, the available evidence is currently insufficient to determine the role of this variant in disease. Therefore, it has been classified as a Variant of Uncertain Significance.

Ambry Genetics
Classification: Uncertain significance for Hereditary cancer-predisposing syndrome. Last evaluated: 2024-11-19. Review status: criteria provided, single submitter. Criteria: Ambry Variant Classification Scheme 2023. Collection method: clinical testing. Allele origin: germline.
Comment: The p.T706I variant (also known as c.2117C>T), located in coding exon 5 of the PALB2 gene, results from a C to T substitution at nucleotide position 2117. The threonine at codon 706 is replaced by isoleucine, an amino acid with similar properties. In a homology-directed DNA repair (HDR) assay, this alteration was found to be functionally normal (Boonen RACM et al. Nat Commun, 2019 Nov;10:5296). This amino acid position is highly conserved in available vertebrate species. In addition, the in silico prediction for this alteration is inconclusive. Based on the available evidence, the clinical significance of this variant remains unclear.

Color Diagnostics, LLC DBA Color Health
Classification: Uncertain significance for Hereditary cancer-predisposing syndrome. Last evaluated: 2020-10-30. Review status: criteria provided, single submitter. Criteria: ACMG Guidelines, 2015. Collection method: clinical testing. Allele origin: germline.
Comment: This missense variant replaces threonine with isoleucine at codon 706 of the PALB2 protein. Computational prediction is inconclusive regarding the impact of this variant on protein structure and function (internally defined REVEL score threshold 0.5 < inconclusive < 0.7, PMID: 27666373). Functional studies have shown that in cell-based assays this variant had DNA repair activity at 87% of normal activity (PMID: 31757951). To our knowledge, this variant has not been reported in individuals affected with hereditary cancer in the literature. This variant has been identified in 1/251492 chromosomes in the general population by the Genome Aggregation Database (gnomAD). The available evidence is insufficient to determine the role of this variant in disease conclusively. Therefore, this variant is classified as a Variant of Uncertain Significance.

Literature cited by the submitters: PubMed 31757951 (cited by Ambry Genetics).